The following is an entry in ClinVar:

NM_004991.4(MECOM):c.1742A>C (p.Asp581Ala)

Gene: MECOM (MDS1 and EVI1 complex locus; minus strand). Cytogenetic location: 3q26.2.
Variant type: single nucleotide variant.
Coding change: c.1742A>C on transcript NM_004991.4 (MANE Select); coding-DNA position 1742, A replaced by C.
Protein change: p.Asp581Ala; replaces aspartic acid 581 with alanine.
Molecular consequence: missense variant. On other transcripts: intron variant (2).
Genome position (GRCh38, 1-based): chr3:169,116,130, T>G on the plus strand (A>C on the coding strand, the complement: MECOM is on the minus strand). VCF-style: chr3-169116130-T-G. GRCh37 (hg19) VCF-style: chr3-168833918-T-G.
Other names: c.1373A>C, p.Asp458Ala (NM_001105077.4); c.1178A>C, p.Asp393Ala (NM_001105078.4, NM_001164000.2, NM_001205194.2 and 4 more transcripts); c.1181A>C, p.Asp394Ala (NM_001163999.2, NM_001366467.2, NM_001366468.2 and 1 more transcripts); c.1742A>C, p.Asp581Ala (NM_001366466.2); c.1133-363A>C (NM_001366473.2); c.569-363A>C (NM_001366474.2); short protein forms D393A, D458A, D394A, D581A.
Identifiers: ClinVar variation 5024181 (VCV005024181.1).
Genomic context (GRCh38, chr3:169,116,130, plus strand): 5'-AGATCAGAGCCCGAGGTTGTTTCCAGGTCACTGCCACTTGGTGTACTGACATCATCAAGG[T>G]CACTACTCTCTGACTGGTCACTGATTTTCTCAAAGGGCCTCTCTTCAGAGGACCTCTCGG-3'
Protein context (NP_004982.2, residues 571-591): EKISDQSESS[Asp581Ala]LDDVSTPSGS

ClinVar aggregate classification (germline): Uncertain significance (1 of 4 stars; one submission).

Conditions:
Inborn genetic diseases. Identifiers: MedGen C0950123, MeSH D030342.

Submission:

Ambry Genetics
Classification: Uncertain significance for Inborn genetic diseases. Last evaluated: 2026-08-11. Review status: criteria provided, single submitter. Criteria: Ambry Variant Classification Scheme 2023. Collection method: clinical testing. Allele origin: germline.
Comment: The p.D581A variant (also known as c.1742A>C), located in coding exon 8 of the MECOM gene, results from an A to C substitution at nucleotide position 1742. The aspartic acid at codon 581 is replaced by alanine, an amino acid with dissimilar properties. This amino acid position is conserved. In addition, the in silico prediction for this alteration is inconclusive. Based on the available evidence, the clinical significance of this variant remains unclear.